The following is an entry in ClinVar:

ClinVar aggregate classification (germline): Uncertain significance (1 of 4 stars; one submission).

Conditions:
Hereditary cancer-predisposing syndrome. Also called: Hereditary Cancer Syndrome; Hereditary neoplastic syndrome; Neoplastic Syndromes, Hereditary; Tumor predisposition. Identifiers: Orphanet 140162, MedGen C0027672, MeSH D009386, MONDO:0015356.

Submission:

Ambry Genetics
Classification: Uncertain significance for Hereditary cancer-predisposing syndrome. Last evaluated: 2025-09-10. Review status: criteria provided, single submitter. Criteria: Ambry Variant Classification Scheme 2023. Collection method: clinical testing. Allele origin: germline.
Comment: The c.973-5T>G intronic variant results from a T to G substitution 5 nucleotides upstream from coding exon 11 in the CDC73 gene. This nucleotide position is well conserved in available vertebrate species. In silico splice site analysis for this alteration is inconclusive. Since supporting evidence is limited at this time, the clinical significance of this alteration remains unclear.

NM_024529.5(CDC73):c.973-5T>G

Gene: CDC73 (cell division cycle 73; plus strand). Cytogenetic location: 1q31.2.
Variant type: single nucleotide variant.
Coding change: c.973-5T>G on transcript NM_024529.5 (MANE Select); 5 bases into the intron before coding-DNA position 973, T replaced by G.
Molecular consequence: intron variant.
Genome position (GRCh38, 1-based): chr1:193,203,790, T>G. VCF-style: chr1-193203790-T-G. GRCh37 (hg19) VCF-style: chr1-193172920-T-G.
Identifiers: ClinVar variation 1768030 (VCV001768030.3), dbSNP rs2527440064, ClinGen allele CA2580061753.